The following is an entry in ClinVar:

ClinVar aggregate classification (germline): Pathogenic (1 of 4 stars; one submission).

Conditions:
Cardiovascular phenotype. Identifiers: MedGen CN230736.

Submission:

Ambry Genetics
Classification: Pathogenic for Cardiovascular phenotype. Last evaluated: 2026-08-11. Review status: criteria provided, single submitter. Criteria: Ambry Variant Classification Scheme 2023. Collection method: clinical testing. Allele origin: germline.
Comment: The c.1049delC pathogenic mutation, located in coding exon 4 of the BAG3 gene, results from a deletion of one nucleotide at nucleotide position 1049, causing a translational frameshift with a predicted alternate stop codon (p.P350Lfs*13). This variant occurs at the 3' terminus of the gene, is not expected to trigger nonsense-mediated mRNA decay, and impacts the last 39% of the protein. However, premature stop codons are typically deleterious in nature and the impacted region is critical for protein function and a significant portion of the protein is affected (Ambry internal data). This variant is considered to be rare based on population cohorts in the Genome Aggregation Database (gnomAD). Based on the supporting evidence, this variant is interpreted as a disease-causing mutation for autosomal dominant BAG3-related dilated cardiomyopathy; however, its clinical significance for autosomal dominant BAG3-related myofibrillar myopathy is uncertain.

NM_004281.4(BAG3):c.1049del (p.Pro350fs)

Gene: BAG3 (BAG cochaperone 3; plus strand). Cytogenetic location: 10q26.11.
Variant type: Deletion.
Coding change: c.1049del on transcript NM_004281.4 (MANE Select); coding-DNA position 1049, one base deleted (C; older notation c.1049delC).
Protein change: p.Pro350fs; shifts the reading frame from proline 350.
Molecular consequence: frameshift variant.
Genome position (GRCh38, 1-based): chr10:119,676,603, C deleted; the last of 2 consecutive C bases (chr10:119,676,602-119,676,603); deleting either gives the same sequence. VCF-style (leftmost placement, unchanged base first): chr10-119676601-AC-A. GRCh37 (hg19) VCF-style: chr10-121436113-AC-A.
Other names: short protein forms P350fs.
Identifiers: ClinVar variation 5032694 (VCV005032694.1).